The following is an entry in ClinVar:

NM_001384732.1(CPLANE1):c.1745T>C (p.Ile582Thr)

Gene: CPLANE1 (ciliogenesis and planar polarity effector complex subunit 1; minus strand). Cytogenetic location: 5p13.2.
Variant type: single nucleotide variant.
Coding change: c.1745T>C on transcript NM_001384732.1 (MANE Select); coding-DNA position 1745, T replaced by C.
Protein change: p.Ile582Thr; replaces isoleucine 582 with threonine.
Molecular consequence: missense variant.
Genome position (GRCh38, 1-based): chr5:37,226,850, A>G on the plus strand (T>C on the coding strand, the complement: CPLANE1 is on the minus strand). VCF-style: chr5-37226850-A-G. GRCh37 (hg19) VCF-style: chr5-37226952-A-G.
Other names: c.1745T>C, p.Ile582Thr (NM_023073.4); short protein forms I582T.
Identifiers: ClinVar variation 1031355 (VCV001031355.6), dbSNP rs1260722151, ClinGen allele CA359500049.
Genomic context (GRCh38, chr5:37,226,850, plus strand): 5'-ATACAAACTACTATGTAATTTAACATTAAATTTTTTTCTGTCACAGTTTTTGAAATTCCT[A>G]TAGTCCACGCTGCAAGTAGACTTTTCTGGATAGAATGCAGTTCTGTAATGGTTCTATCTG-3'
Protein context (NP_001371661.1, residues 572-592): IQKSLLAAWT[Ile582Thr]GISKTVTEKN

ClinVar aggregate classification (germline): Uncertain significance. Review status: criteria provided, multiple submitters, no conflicts (2 of 4 stars). 2 submissions from 2 submitters: Uncertain significance (2). Last evaluated 2023-08-04.

Conditions:
Joubert syndrome 17 (JBTS17). Identifiers: Orphanet 475, MedGen C3553264, MONDO:0013824, OMIM 614615.

Allele frequency attached by ClinVar (database versions not stated): gnomAD exomes below 0.00001 and 0.00003; TOPMed 0.00001.
gnomAD v4.1: 5 of 1,551,310 alleles (0.00032%); highest among the groups gnomAD compares: Admixed American, 0.0059%; no homozygotes.

Submissions (2):

Labcorp Genetics (formerly Invitae), Labcorp
Classification: Uncertain significance. Last evaluated: 2023-08-04. Review status: criteria provided, single submitter. Criteria: Invitae Variant Classification Sherloc (09022015). Collection method: clinical testing. Allele origin: germline.
Comment: This sequence change replaces isoleucine, which is neutral and non-polar, with threonine, which is neutral and polar, at codon 582 of the CPLANE1 protein (p.Ile582Thr). This variant is present in population databases (no rsID available, gnomAD 0.01%). This variant has not been reported in the literature in individuals affected with CPLANE1-related conditions. ClinVar contains an entry for this variant (Variation ID: 1031355). Advanced modeling of protein sequence and biophysical properties (such as structural, functional, and spatial information, amino acid conservation, physicochemical variation, residue mobility, and thermodynamic stability) performed at Invitae indicates that this missense variant is not expected to disrupt CPLANE1 protein function. In summary, the available evidence is currently insufficient to determine the role of this variant in disease. Therefore, it has been classified as a Variant of Uncertain Significance.

Baylor Genetics
Classification: Uncertain significance for Joubert syndrome 17. Last evaluated: 2018-03-01. Review status: criteria provided, single submitter. Criteria: ACMG Guidelines, 2015. Collection method: clinical testing. Allele origin: maternal. Affected: yes.
Comment: This variant was determined to be of uncertain significance according to ACMG Guidelines, 2015 [PMID:25741868].